The following is an entry in ClinVar:

ClinVar aggregate classification (germline): Uncertain significance (1 of 4 stars; one submission).

Submission:

Labcorp Genetics (formerly Invitae), Labcorp
Classification: Uncertain significance. Last evaluated: 2021-12-02. Review status: criteria provided, single submitter. Criteria: Invitae Variant Classification Sherloc (09022015). Collection method: clinical testing. Allele origin: germline.
Comment: This variant has not been reported in the literature in individuals affected with ASXL2-related conditions. In summary, the available evidence is currently insufficient to determine the role of this variant in disease. Therefore, it has been classified as a Variant of Uncertain Significance. Algorithms developed to predict the effect of missense changes on protein structure and function are either unavailable or do not agree on the potential impact of this missense change (SIFT: "Deleterious"; PolyPhen-2: "Not Available"; Align-GVGD: "Class C65"). This variant is not present in population databases (gnomAD no frequency). This sequence change replaces glycine, which is neutral and non-polar, with aspartic acid, which is acidic and polar, at codon 1132 of the ASXL2 protein (p.Gly1132Asp).

NM_018263.6(ASXL2):c.3395G>A (p.Gly1132Asp)

Gene: ASXL2 (ASXL transcriptional regulator 2; minus strand). Cytogenetic location: 2p23.3.
Variant type: single nucleotide variant.
Coding change: c.3395G>A on transcript NM_018263.6 (MANE Select); coding-DNA position 3395, G replaced by A.
Protein change: p.Gly1132Asp; replaces glycine 1132 with aspartic acid.
Molecular consequence: missense variant.
Genome position (GRCh38, 1-based): chr2:25,742,942, C>T on the plus strand (G>A on the coding strand, the complement: ASXL2 is on the minus strand). VCF-style: chr2-25742942-C-T. GRCh37 (hg19) VCF-style: chr2-25965811-C-T.
Other names: c.3221G>A, p.Gly1074Asp (NM_001369346.1); c.2615G>A, p.Gly872Asp (NM_001369347.1); short protein forms G1074D, G872D, G1132D.
Identifiers: ClinVar variation 1386252 (VCV001386252.6), dbSNP rs2149136131, ClinGen allele CA346078612.
Genomic context (GRCh38, chr2:25,742,942, plus strand): 5'-AGACAAAAACGATCTTCAGGGTTTACAGAATGGGTCCTCCTAAAGCTCTCTGAGCCCCGG[C>T]CGTAGGTAGAAATATTCAGTAAGTAGTGCCCTGCCATTGCAGGTTTGGATGTCCTTCTGC-3'
Protein context (NP_060733.4, residues 1122-1142): GHYLLNISTY[Gly1132Asp]RGSESFRRTH